The following is an entry in ClinVar:

ClinVar aggregate classification (germline): Uncertain significance (1 of 4 stars; one submission).

Submission:

Ambry Genetics
Classification: Uncertain significance. Last evaluated: 2025-11-09. Review status: criteria provided, single submitter. Criteria: Ambry Variant Classification Scheme 2023. Collection method: clinical testing. Allele origin: germline.
Comment: The p.A454G variant (also known as c.1361C>G), located in coding exon 14 of the SRP72 gene, results from a C to G substitution at nucleotide position 1361. The alanine at codon 454 is replaced by glycine, an amino acid with similar properties. This amino acid position is conserved. In addition, the in silico prediction for this alteration is inconclusive. Based on the available evidence, the clinical significance of this variant remains unclear.

NM_006947.4(SRP72):c.1361C>G (p.Ala454Gly)

Gene: SRP72 (signal recognition particle 72; plus strand). Cytogenetic location: 4q12.
Variant type: single nucleotide variant.
Coding change: c.1361C>G on transcript NM_006947.4 (MANE Select); coding-DNA position 1361, C replaced by G.
Protein change: p.Ala454Gly; replaces alanine 454 with glycine.
Molecular consequence: missense variant. On other transcripts: non-coding transcript variant (1).
Genome position (GRCh38, 1-based): chr4:56,490,373, C>G. VCF-style: chr4-56490373-C-G. GRCh37 (hg19) VCF-style: chr4-57356539-C-G.
Other names: c.1178C>G, p.Ala393Gly (NM_001267722.2); short protein forms A393G, A454G.
Identifiers: ClinVar variation 4589623 (VCV004589623.1).